The following is an entry in ClinVar:

ClinVar aggregate classification (germline): Pathogenic/Likely pathogenic. Review status: criteria provided, multiple submitters, no conflicts (2 of 4 stars). 4 submissions from 4 submitters: Pathogenic (3); Likely pathogenic (1). Last evaluated 2024-10-08.

Conditions:
Charcot-Marie-Tooth disease, axonal, IIa 2II. Also called: Charcot-Marie-Tooth disease, axonal, type 2II; CHARCOT-MARIE-TOOTH NEUROPATHY, TYPE 2II; Charcot-marie-tooth disease, axonal,IIa 2II. Identifiers: MedGen C5774227, MONDO:0031068, OMIM 620068.
Peripheral neuropathy. Also called: Neuropathy. Identifiers: MedGen C0031117, MONDO:0005244, HP:0009830.

Submissions (4):

Women's Health and Genetics/Laboratory Corporation of America, LabCorp
Classification: Pathogenic for Charcot-Marie-Tooth disease, axonal, IIa 2II. Last evaluated: 2024-10-08. Review status: criteria provided, single submitter. Criteria: LabCorp Variant Classification Summary - May 2015. Collection method: clinical testing. Allele origin: germline.
Comment: Variant summary: SLC12A6 c.1655G>A (p.Gly552Asp) results in a non-conservative amino acid change located in the Amino acid permease/ SLC12A domain (IPR004841) of the encoded protein sequence. Five of five in-silico tools predict a damaging effect of the variant on protein function. The variant was absent in 251224 control chromosomes. c.1655G>A has been reported in the literature in multiple heterozygous individuals affected with Charcot-Marie Disease, Axonal, IIa 2II (Loseth_2023). These data indicate that the variant is very likely to be associated with disease. At least one publication reports experimental evidence evaluating an impact on protein function. The most pronounced variant effect results in significantly reduced cotransporter activity in Xenopus oocytes (Loseth_2023). The following publication has been ascertained in the context of this evaluation (PMID: 36542484). ClinVar contains an entry for this variant (Variation ID: 1328560). Based on the evidence outlined above, the variant was classified as pathogenic.

Labcorp Genetics (formerly Invitae), Labcorp
Classification: Pathogenic. Last evaluated: 2024-06-17. Review status: criteria provided, single submitter. Criteria: Invitae Variant Classification Sherloc (09022015). Collection method: clinical testing. Allele origin: germline.
Comment: This sequence change replaces glycine, which is neutral and non-polar, with aspartic acid, which is acidic and polar, at codon 552 of the SLC12A6 protein (p.Gly552Asp). This variant is not present in population databases (gnomAD no frequency). This missense change has been observed in individuals with sensory-motor axonal neuropathy (PMID: 36542484). It has also been observed to segregate with disease in related individuals. ClinVar contains an entry for this variant (Variation ID: 1328560). Advanced modeling of protein sequence and biophysical properties (such as structural, functional, and spatial information, amino acid conservation, physicochemical variation, residue mobility, and thermodynamic stability) performed at Invitae indicates that this missense variant is expected to disrupt SLC12A6 protein function with a positive predictive value of 80%. Experimental studies have shown that this missense change affects SLC12A6 function (PMID: 36542484). For these reasons, this variant has been classified as Pathogenic.

ARUP Laboratories, Molecular Genetics and Genomics, ARUP Laboratories
Classification: Pathogenic. Last evaluated: 2024-06-06. Review status: criteria provided, single submitter. Criteria: ARUP Molecular Germline Variant Investigation Process 2024. Collection method: clinical testing. Allele origin: germline.
Comment: The SLC12A6 c.1655G>A; p.Gly552Asp variant (rs2140693876, ClinVar Variation ID: 1328560) is reported heterozygous in the literature in multiple individuals affected with late-onset sensory-motor axonal neuropathy (Loseth 2023). This variant is absent from the Genome Aggregation Database (v2.1.1), indicating it is not a common polymorphism. Functional analyses of the variant protein show significant reduction in potassium influx (Loseth 2023). Computational analyses predict that this variant is deleterious (REVEL: 0.976). Based on available information, this variant is considered to be pathogenic. References: Loseth S et al. Late-onset sensory-motor axonal neuropathy, a novel SLC12A6-related phenotype. Brain. 2023 Mar 1;146(3):912-922. PMID: 36542484.

Dept. of Medical Genetics, Telemark Hospital Trust, Telemark Hospital Trust
Classification: Likely pathogenic for Peripheral neuropathy. Last evaluated: 2021-12-18. Review status: criteria provided, single submitter. Criteria: AMP Guidelines, 2017. Collection method: clinical testing. Allele origin: germline. Inheritance: Autosomal dominant inheritance. Affected: yes. Observed: 10 variant alleles, 10 heterozygotes.
Comment: This variant was detected in ten affected individuals from five families. The affected individuals presented with adult onset axonal neuropathy (predominantly sensory). The variant segregated with all affected individuals and was not present among two unaffected individuals. Functional studies of the transporter in Xenopus laevis oocytes and measured K+ influx showed that this variant completely abrogate cotransporter function. The variant has no frequency in population databases and is conserved in paralogue and orthologue domains.

Literature cited by the submitters: PubMed 36542484 (cited by Women's Health and Genetics/Laboratory Corporation of America, LabCorp and Labcorp Genetics (formerly Invitae), Labcorp).

NM_001365088.1(SLC12A6):c.1655G>A (p.Gly552Asp)

Gene: SLC12A6 (solute carrier family 12 member 6; minus strand). Cytogenetic location: 15q14.
Variant type: single nucleotide variant.
Coding change: c.1655G>A on transcript NM_001365088.1 (MANE Select); coding-DNA position 1655, G replaced by A.
Protein change: p.Gly552Asp; replaces glycine 552 with aspartic acid.
Molecular consequence: missense variant.
Genome position (GRCh38, 1-based): chr15:34,245,862, C>T on the plus strand (G>A on the coding strand, the complement: SLC12A6 is on the minus strand). VCF-style: chr15-34245862-C-T. GRCh37 (hg19) VCF-style: chr15-34538063-C-T.
Other names: c.1478G>A, p.Gly493Asp (NM_001042494.2, NM_001042495.2); c.1628G>A, p.Gly543Asp (NM_001042496.2); c.1610G>A, p.Gly537Asp (NM_001042497.2); c.1502G>A, p.Gly501Asp (NM_005135.2); c.1655G>A, p.Gly552Asp (NM_133647.2); short protein forms G493D, G501D, G537D, G543D, G552D.
Identifiers: ClinVar variation 1328560 (VCV001328560.13), dbSNP rs2140693876, ClinGen allele CA391621320.